The following is an entry in ClinVar:

ClinVar aggregate classification (germline): Uncertain significance. Review status: criteria provided, multiple submitters, no conflicts (2 of 4 stars). 3 submissions from 3 submitters: Uncertain significance (3). Last evaluated 2025-05-19.

Conditions:
AXIN2-related disorder.
Hereditary cancer-predisposing syndrome. Also called: Tumor predisposition; Hereditary Cancer Syndrome; Hereditary neoplastic syndrome; Neoplastic Syndromes, Hereditary. Identifiers: Orphanet 140162, MedGen C0027672, MeSH D009386, MONDO:0015356.
Oligodontia-cancer predisposition syndrome. Also called: TOOTH AGENESIS-COLORECTAL CANCER SYNDROME. Identifiers: Orphanet 300576, MedGen C1837750, MONDO:0012075, OMIM 608615. Disease mechanism: loss of function.

Submissions (3):

Labcorp Genetics (formerly Invitae), Labcorp
Classification: Uncertain significance for Oligodontia-cancer predisposition syndrome. Last evaluated: 2025-05-19. Review status: criteria provided, single submitter. Criteria: Invitae Variant Classification Sherloc (09022015). Collection method: clinical testing. Allele origin: germline.
Comment: This sequence change replaces lysine, which is basic and polar, with asparagine, which is neutral and polar, at codon 448 of the AXIN2 protein (p.Lys448Asn). This variant is not present in population databases (gnomAD no frequency). This variant has not been reported in the literature in individuals affected with AXIN2-related conditions. ClinVar contains an entry for this variant (Variation ID: 1481056). Invitae Evidence Modeling of protein sequence and biophysical properties (such as structural, functional, and spatial information, amino acid conservation, physicochemical variation, residue mobility, and thermodynamic stability) has been performed for this missense variant. However, the output from this modeling did not meet the statistical confidence thresholds required to predict the impact of this variant on AXIN2 protein function. In summary, the available evidence is currently insufficient to determine the role of this variant in disease. Therefore, it has been classified as a Variant of Uncertain Significance.

Ambry Genetics
Classification: Uncertain significance for Hereditary cancer-predisposing syndrome. Last evaluated: 2023-09-17. Review status: criteria provided, single submitter. Criteria: Ambry Variant Classification Scheme 2023. Collection method: clinical testing. Allele origin: germline.
Comment: The p.K448N variant (also known as c.1344G>C), located in coding exon 5 of the AXIN2 gene, results from a G to C substitution at nucleotide position 1344. The lysine at codon 448 is replaced by asparagine, an amino acid with similar properties. This amino acid position is conserved. In addition, this alteration is predicted to be tolerated by in silico analysis. Since supporting evidence is limited at this time, the clinical significance of this alteration remains unclear.

PreventionGenetics, part of Exact Sciences
Classification: Uncertain significance for AXIN2-related condition. Last evaluated: 2023-03-22. Review status: criteria provided, single submitter. Criteria: ACMG Guidelines, 2015. Collection method: clinical testing. Allele origin: germline.
Comment: The AXIN2 c.1344G>C variant is predicted to result in the amino acid substitution p.Lys448Asn. To our knowledge, this variant has not been reported in the literature or in a large population database, indicating this variant is rare. In ClinVar, this variant is interpreted as uncertain. At this time, the clinical significance of this variant is uncertain due to the absence of conclusive functional and genetic evidence.

NM_004655.4(AXIN2):c.1344G>C (p.Lys448Asn)

Gene: AXIN2 (axin 2; minus strand). Cytogenetic location: 17q24.1.
Variant type: single nucleotide variant.
Coding change: c.1344G>C on transcript NM_004655.4 (MANE Select); coding-DNA position 1344, G replaced by C.
Protein change: p.Lys448Asn; replaces lysine 448 with asparagine.
Molecular consequence: missense variant.
Genome position (GRCh38, 1-based): chr17:65,537,692, C>G on the plus strand (G>C on the coding strand, the complement: AXIN2 is on the minus strand). VCF-style: chr17-65537692-C-G. GRCh37 (hg19) VCF-style: chr17-63533810-C-G.
Other names: c.1344G>C, p.Lys448Asn (NM_001363813.1); c.1344G>C (NM_004655.3); short protein forms K448N.
Identifiers: ClinVar variation 1481056 (VCV001481056.7), dbSNP rs2144465376, ClinGen allele CA400677685.